The following is an entry in ClinVar:

ClinVar aggregate classification (germline): Pathogenic (1 of 4 stars; one submission).

Conditions:
DNA ligase IV deficiency. Identifiers: Orphanet 99812, MedGen C1847827, MONDO:0011686, OMIM 606593.

Submission:

Labcorp Genetics (formerly Invitae), Labcorp
Classification: Pathogenic for DNA ligase IV deficiency. Last evaluated: 2025-01-27. Review status: criteria provided, single submitter. Criteria: Invitae Variant Classification Sherloc (09022015). Collection method: clinical testing. Allele origin: germline.
Comment: This sequence change creates a premature translational stop signal (p.Ile865Metfs*25) in the LIG4 gene. While this is not anticipated to result in nonsense mediated decay, it is expected to disrupt the last 47 amino acid(s) of the LIG4 protein. This variant is present in population databases (rs757090161, gnomAD 0.0009%). This variant has not been reported in the literature in individuals affected with LIG4-related conditions. ClinVar contains an entry for this variant (Variation ID: 863425). Experimental studies and prediction algorithms are not available or were not evaluated, and the functional significance of this variant is currently unknown. This variant disrupts a region of the LIG4 protein in which other variant(s) (p.Gln904*) have been determined to be pathogenic (PMID: 34630384). This suggests that this is a clinically significant region of the protein, and that variants that disrupt it are likely to be disease-causing. For these reasons, this variant has been classified as Pathogenic.

Literature cited by the submitters: PubMed 34630384.

NM_206937.2(LIG4):c.2595del (p.Ile865fs)

Gene: LIG4 (DNA ligase 4; minus strand). Cytogenetic location: 13q33.3.
Variant type: Deletion.
Coding change: c.2595del on transcript NM_206937.2 (MANE Select); coding-DNA position 2595, one base deleted (T; older notation c.2595delT).
Protein change: p.Ile865fs; shifts the reading frame from isoleucine 865.
Molecular consequence: frameshift variant.
Genome position (GRCh38, 1-based): chr13:108,208,674, A deleted on the plus strand (T on the coding strand, the reverse complement: LIG4 is on the minus strand); the first of 2 consecutive A bases (chr13:108,208,674-108,208,675); deleting either gives the same sequence. VCF-style (leftmost placement, unchanged base first): chr13-108208673-CA-C. GRCh37 (hg19) VCF-style: chr13-108861021-CA-C.
Other names: c.2595del, p.Ile865fs (NM_001098268.2, NM_001352598.2, NM_001352599.2 and 6 more transcripts); c.2394del, p.Ile798fs (NM_001330595.2); c.2631del, p.Ile877fs (NM_001352604.2); short protein forms I798fs, I877fs, I865fs.
Identifiers: ClinVar variation 863425 (VCV000863425.9), dbSNP rs757090161, ClinGen allele CA7043464.